The following is an entry in ClinVar:

NM_005751.5(AKAP9):c.3349C>T (p.Arg1117Cys)

Gene: AKAP9 (A-kinase anchoring protein 9; plus strand). Cytogenetic location: 7q21.2.
Variant type: single nucleotide variant.
Coding change: c.3349C>T on transcript NM_005751.5 (MANE Select); coding-DNA position 3349, C replaced by T.
Protein change: p.Arg1117Cys; replaces arginine 1117 with cysteine.
Molecular consequence: missense variant.
Genome position (GRCh38, 1-based): chr7:92,012,459, C>T. VCF-style: chr7-92012459-C-T. GRCh37 (hg19) VCF-style: chr7-91641773-C-T.
Other names: c.3349C>T, p.Arg1117Cys (NM_147185.3); short protein forms R1117C.
Identifiers: ClinVar variation 1511139 (VCV001511139.8), dbSNP rs1277410775, ClinGen allele CA368125804.

ClinVar aggregate classification (germline): Uncertain significance. Review status: criteria provided, multiple submitters, no conflicts (2 of 4 stars). 2 submissions from 2 submitters: Uncertain significance (2). Last evaluated 2024-12-06.

Conditions:
Cardiovascular phenotype. Identifiers: MedGen CN230736.
Long QT syndrome (LQTS). Identifiers: MedGen C0023976, MeSH D008133, MONDO:0002442. Disease mechanism: loss of function. Inheritance: Various modes of inheritance.

Allele frequency attached by ClinVar (database versions not stated): gnomAD 0.00001; gnomAD exomes 0.00001; TOPMed 0.00001.
gnomAD v4.1: 16 of 1,613,858 alleles (0.00099%); highest among the groups gnomAD compares: East Asian, 0.0067%; no homozygotes.

Submissions (2):

Labcorp Genetics (formerly Invitae), Labcorp
Classification: Uncertain significance for Long QT syndrome. Last evaluated: 2024-12-06. Review status: criteria provided, single submitter. Criteria: Invitae Variant Classification Sherloc (09022015). Collection method: clinical testing. Allele origin: germline.
Comment: This sequence change replaces arginine, which is basic and polar, with cysteine, which is neutral and slightly polar, at codon 1117 of the AKAP9 protein (p.Arg1117Cys). This variant is present in population databases (no rsID available, gnomAD 0.005%). This variant has not been reported in the literature in individuals affected with AKAP9-related conditions. ClinVar contains an entry for this variant (Variation ID: 1511139). An algorithm developed to predict the effect of missense changes on protein structure and function (PolyPhen-2) suggests that this variant is likely to be disruptive. Algorithms developed to predict the effect of sequence changes on RNA splicing suggest that this variant may create or strengthen a splice site. In summary, the available evidence is currently insufficient to determine the role of this variant in disease. Therefore, it has been classified as a Variant of Uncertain Significance.

Ambry Genetics
Classification: Uncertain significance for Cardiovascular phenotype. Last evaluated: 2022-11-07. Review status: criteria provided, single submitter. Criteria: Ambry Variant Classification Scheme 2023. Collection method: clinical testing. Allele origin: germline.
Comment: The p.R1117C variant (also known as c.3349C>T), located in coding exon 9 of the AKAP9 gene, results from a C to T substitution at nucleotide position 3349. The arginine at codon 1117 is replaced by cysteine, an amino acid with highly dissimilar properties. This amino acid position is highly conserved in available vertebrate species. In addition, the in silico prediction for this alteration is inconclusive. The evidence for this gene-disease relationship is limited; therefore, the clinical significance of this alteration is unclear.